The following is an entry in ClinVar:

ClinVar aggregate classification (germline): Conflicting classifications of pathogenicity. Review status: criteria provided, conflicting classifications (1 of 4 stars). 2 submissions from 2 submitters: Uncertain significance (1); Likely benign (1). Last evaluated 2026-05-01.

Conditions:
Hereditary cancer-predisposing syndrome. Also called: Tumor predisposition; Hereditary neoplastic syndrome; Neoplastic Syndromes, Hereditary; Hereditary Cancer Syndrome. Identifiers: Orphanet 140162, MedGen C0027672, MeSH D009386, MONDO:0015356.
Ataxia-telangiectasia syndrome (AT). Also called: Ataxia-telangiectasia, complementation group D; AT, COMPLEMENTATION GROUP C; ATAXIA-TELANGIECTASIA, COMPLEMENTATION GROUP A; ATAXIA-TELANGIECTASIA, FRESNO VARIANT; Ataxia-telangiectasia; LOUIS-BAR SYNDROME. Identifiers: Orphanet 100, MedGen C0004135, MONDO:0008840, OMIM 208900.

Submissions (2):

Ambry Genetics
Classification: Likely benign for Hereditary cancer-predisposing syndrome. Last evaluated: 2026-05-01. Review status: criteria provided, single submitter. Criteria: Ambry Variant Classification Scheme 2023. Collection method: clinical testing. Allele origin: germline.

Labcorp Genetics (formerly Invitae), Labcorp
Classification: Uncertain significance for Ataxia-telangiectasia syndrome. Last evaluated: 2018-11-21. Review status: criteria provided, single submitter. Criteria: Invitae Variant Classification Sherloc (09022015). Collection method: clinical testing. Allele origin: germline.
Comment: In summary, the available evidence is currently insufficient to determine the role of this variant in disease. Therefore, it has been classified as a Variant of Uncertain Significance. Algorithms developed to predict the effect of missense changes on protein structure and function do not agree on the potential impact of this missense change (SIFT: "Deleterious"; PolyPhen-2: "Possibly Damaging"; Align-GVGD: "Class C0"). This variant has not been reported in the literature in individuals with ATM-related disease. This variant is not present in population databases (ExAC no frequency). This sequence change replaces glutamic acid with lysine at codon 2815 of the ATM protein (p.Glu2815Lys). The glutamic acid residue is moderately conserved and there is a small physicochemical difference between glutamic acid and lysine.

NM_000051.4(ATM):c.8443G>A (p.Glu2815Lys)

Genes: ATM (ATM serine/threonine kinase; plus strand), C11orf65 (chromosome 11 open reading frame 65; minus strand). Cytogenetic location: 11q22.3.
Variant type: single nucleotide variant.
Coding change: c.8443G>A on transcript NM_000051.4 (MANE Select); coding-DNA position 8443, G replaced by A.
Protein change: p.Glu2815Lys; replaces glutamic acid 2815 with lysine.
Molecular consequence: missense variant. On other transcripts: intron variant (2).
Genome position (GRCh38, 1-based): chr11:108,345,767, G>A. VCF-style: chr11-108345767-G-A. GRCh37 (hg19) VCF-style: chr11-108216494-G-A.
Other names: c.8443G>A, p.Glu2815Lys (NM_001351834.2); c.641-36696C>T (NM_001330368.2); c.695-10475C>T (NM_001351110.2); short protein forms E2815K.
Identifiers: ClinVar variation 646615 (VCV000646615.10), dbSNP rs1214616015, ClinGen allele CA382517840.